The following is an entry in ClinVar:

ClinVar aggregate classification (germline): Uncertain significance (1 of 4 stars; one submission).

Conditions:
Cardiovascular phenotype. Identifiers: MedGen CN230736.

Submission:

Ambry Genetics
Classification: Uncertain significance for Cardiovascular phenotype. Last evaluated: 2020-11-25. Review status: criteria provided, single submitter. Criteria: Ambry Variant Classification Scheme 2023. Collection method: clinical testing. Allele origin: germline.
Comment: The p.I592V variant (also known as c.1774A>G), located in coding exon 32 of the TRDN gene, results from an A to G substitution at nucleotide position 1774. The isoleucine at codon 592 is replaced by valine, an amino acid with highly similar properties. This amino acid position is not well conserved in available vertebrate species, and valine is the reference amino acid in other vertebrate species. In addition, this alteration is predicted to be tolerated by in silico analysis. Since supporting evidence is limited at this time, the clinical significance of this alteration remains unclear.

NM_006073.4(TRDN):c.1774A>G (p.Ile592Val)

Gene: TRDN (triadin; minus strand). Cytogenetic location: 6q22.31.
Variant type: single nucleotide variant.
Coding change: c.1774A>G on transcript NM_006073.4 (MANE Select); coding-DNA position 1774, A replaced by G.
Protein change: p.Ile592Val; replaces isoleucine 592 with valine.
Molecular consequence: missense variant.
Genome position (GRCh38, 1-based): chr6:123,267,716, T>C on the plus strand (A>G on the coding strand, the complement: TRDN is on the minus strand). VCF-style: chr6-123267716-T-C. GRCh37 (hg19) VCF-style: chr6-123588861-T-C.
Other names: short protein forms I592V.
Identifiers: ClinVar variation 1779843 (VCV001779843.2), dbSNP rs1395576684, ClinGen allele CA365564006.